The following is an entry in ClinVar:

NM_014112.5(TRPS1):c.2568T>G (p.Tyr856Ter)

Gene: TRPS1 (transcriptional repressor GATA binding 1; minus strand). Cytogenetic location: 8q23.3.
Variant type: single nucleotide variant.
Coding change: c.2568T>G on transcript NM_014112.5 (MANE Select); coding-DNA position 2568, T replaced by G.
Protein change: p.Tyr856Ter; replaces tyrosine 856 with a stop codon.
Molecular consequence: nonsense.
Genome position (GRCh38, 1-based): chr8:115,587,133, A>C on the plus strand (T>G on the coding strand, the complement: TRPS1 is on the minus strand). VCF-style: chr8-115587133-A-C. GRCh37 (hg19) VCF-style: chr8-116599360-A-C.
Other names: c.2541T>G, p.Tyr847Ter (NM_001282902.3); c.2547T>G, p.Tyr849Ter (NM_001282903.3); c.2529T>G, p.Tyr843Ter (NM_001330599.2); short protein forms Y856*, Y843*, Y849*, Y847*.
Identifiers: ClinVar variation 568409 (VCV000568409.6), dbSNP rs1563623987, ClinGen allele CA372064846.

ClinVar aggregate classification (germline): Pathogenic (1 of 4 stars; one submission).

Conditions:
Trichorhinophalangeal syndrome, type III (TRPS3). Also called: SUGIO-KAJII SYNDROME. Identifiers: Orphanet 77258, MedGen C1860823, OMIM 190351, MONDO:0008597.
Trichorhinophalangeal dysplasia type I (TRPS1). Also called: TRICHORHINOPHALANGEAL SYNDROME, TYPE I; TRPS I. Identifiers: Orphanet 77258, MedGen C0432233, MONDO:0008596, OMIM 190350.

Submission:

Labcorp Genetics (formerly Invitae), Labcorp
Classification: Pathogenic for Trichorhinophalangeal syndrome, type III; Trichorhinophalangeal dysplasia type I. Last evaluated: 2018-04-26. Review status: criteria provided, single submitter. Criteria: Invitae Variant Classification Sherloc (09022015). Collection method: clinical testing. Allele origin: germline.
Comment: This sequence change creates a premature translational stop signal (p.Tyr856*) in the TRPS1 gene. It is expected to result in an absent or disrupted protein product. This variant is not present in population databases (ExAC no frequency). This variant has not been reported in the literature in individuals with TRPS1-related disease. Algorithms developed to predict the effect of sequence changes on RNA splicing suggest that this variant may create or strengthen a splice site, but this prediction has not been confirmed by published transcriptional studies. Loss-of-function variants in TRPS1 are known to be pathogenic (PMID: 11112658). For these reasons, this variant has been classified as Pathogenic.

Literature cited by the submitters: PubMed 11112658.